The following is an entry in ClinVar:

ClinVar aggregate classification (germline): Likely pathogenic. Review status: criteria provided, multiple submitters, no conflicts (2 of 4 stars). 2 submissions from 2 submitters: Likely pathogenic (2). Last evaluated 2023-02-02.

Conditions:
Familial focal epilepsy with variable foci (FPEVF). Identifiers: Orphanet 98820, MedGen C1858477, MONDO:0020310.

Submissions (2):

GeneDx
Classification: Likely pathogenic. Last evaluated: 2023-02-02. Review status: criteria provided, single submitter. Criteria: GeneDx Variant Classification Process June 2021. Collection method: clinical testing. Allele origin: germline.
Comment: Canonical splice site variant expected to result in aberrant splicing, although in the absence of functional evidence the actual effect of this sequence change is unknown.; Not observed at significant frequency in large population cohorts (gnomAD); Has not been previously published as pathogenic or benign to our knowledge

Labcorp Genetics (formerly Invitae), Labcorp
Classification: Likely pathogenic for Familial focal epilepsy with variable foci. Last evaluated: 2021-12-08. Review status: criteria provided, single submitter. Criteria: Invitae Variant Classification Sherloc (09022015). Collection method: clinical testing. Allele origin: germline.
Comment: Algorithms developed to predict the effect of sequence changes on RNA splicing suggest that this variant may disrupt the consensus splice site. In summary, the currently available evidence indicates that the variant is pathogenic, but additional data are needed to prove that conclusively. Therefore, this variant has been classified as Likely Pathogenic. This variant has not been reported in the literature in individuals affected with DEPDC5-related conditions. This sequence change affects an acceptor splice site in intron 28 of the DEPDC5 gene. It is expected to disrupt RNA splicing. Variants that disrupt the donor or acceptor splice site typically lead to a loss of protein function (PMID: 16199547), and loss-of-function variants in DEPDC5 are known to be pathogenic (PMID: 23542697, 23542701). This variant is not present in population databases (gnomAD no frequency).

Literature cited by the submitters: PubMed 16199547 (cited by Labcorp Genetics (formerly Invitae), Labcorp); PubMed 23542697 (cited by Labcorp Genetics (formerly Invitae), Labcorp); PubMed 23542701 (cited by Labcorp Genetics (formerly Invitae), Labcorp).

NM_001242896.3(DEPDC5):c.2634-2A>G

Gene: DEPDC5 (DEP domain containing 5, GATOR1 subcomplex subunit; plus strand). Cytogenetic location: 22q12.3.
Variant type: single nucleotide variant.
Coding change: c.2634-2A>G on transcript NM_001242896.3 (MANE Select); the canonical splice acceptor site of the intron before coding-DNA position 2634, A replaced by G.
Molecular consequence: splice acceptor variant.
Genome position (GRCh38, 1-based): chr22:31,843,643, A>G. VCF-style: chr22-31843643-A-G. GRCh37 (hg19) VCF-style: chr22-32239629-A-G.
Other names: c.2634-2A>G (NM_001364318.2, NM_001363852.2, NM_001364320.2); c.2607-2A>G (NM_001136029.4, NM_014662.6, NM_001369903.1); c.2400-2A>G (NM_001363854.2, NM_001242897.2, NM_001364319.2); c.2550-2A>G (NM_001369902.1, NM_001369901.1).
Identifiers: ClinVar variation 1525237 (VCV001525237.8), dbSNP rs2149008450, ClinGen allele CA411289485.